The following is an entry in ClinVar:

NM_006180.6(NTRK2):c.2371C>T (p.Pro791Ser)

Gene: NTRK2 (neurotrophic receptor tyrosine kinase 2; plus strand). Cytogenetic location: 9q21.33.
Variant type: single nucleotide variant.
Coding change: c.2371C>T on transcript NM_006180.6 (MANE Select); coding-DNA position 2371, C replaced by T.
Protein change: p.Pro791Ser; replaces proline 791 with serine.
Molecular consequence: missense variant.
Genome position (GRCh38, 1-based): chr9:85,021,291, C>T. VCF-style: chr9-85021291-C-T. GRCh37 (hg19) VCF-style: chr9-87636206-C-T.
Other names: c.2323C>T, p.Pro775Ser (NM_001018064.3, NM_001369532.1, NM_001369533.1); c.2287C>T, p.Pro763Ser (NM_001369534.1); c.1855C>T, p.Pro619Ser (NM_001369535.1); c.1903C>T, p.Pro635Ser (NM_001369536.1); short protein forms P775S, P791S, P619S, P635S, P763S.
Identifiers: ClinVar variation 4998815 (VCV004998815.1).

ClinVar aggregate classification (germline): Uncertain significance (1 of 4 stars; one submission).

Conditions:
NTRK2-related disorder. Also called: NTRK2-related condition.

Submission:

PreventionGenetics, part of Exact Sciences
Classification: Uncertain significance for NTRK2-related condition. Last evaluated: 2025-04-09. Review status: criteria provided, single submitter. Criteria: ACMG Guidelines, 2015. Collection method: clinical testing. Allele origin: germline.
Comment: The NTRK2 c.2371C>T variant is predicted to result in the amino acid substitution p.Pro791Ser. To our knowledge, this variant has not been reported in the literature or in a large population database (gnomAD), indicating this variant is rare. At this time, the clinical significance of this variant is uncertain due to the absence of conclusive functional and genetic evidence.